The following is an entry in ClinVar:

NM_001083962.2(TCF4):c.1773C>T (p.Leu591=)

Gene: TCF4 (transcription factor 4; minus strand). Cytogenetic location: 18q21.2.
Variant type: single nucleotide variant.
Coding change: c.1773C>T on transcript NM_001083962.2 (MANE Select); coding-DNA position 1773, C replaced by T.
Protein change: p.Leu591=; no amino-acid change (leucine 591 retained).
Molecular consequence: synonymous variant.
Genome position (GRCh38, 1-based): chr18:55,228,953, G>A on the plus strand (C>T on the coding strand, the complement: TCF4 is on the minus strand). VCF-style: chr18-55228953-G-A. GRCh37 (hg19) VCF-style: chr18-52896184-G-A.
Other names: c.1281C>T, p.Leu427= (NM_001243236.2, NM_001243235.2); c.1689C>T, p.Leu563= (NM_001306207.1, NM_001348219.2, NM_001369582.1 and 1 more transcripts); c.1548C>T, p.Leu516= (NM_001306208.1); c.1770C>T, p.Leu590= (NM_001330604.3, NM_001369569.1, NM_001369570.1); c.1383C>T, p.Leu461= (NM_001330605.3, NM_001348213.2); c.1647C>T, p.Leu549= (NM_001348211.2); c.1371C>T, p.Leu457= (NM_001348212.2, NM_001243233.2); c.1278C>T, p.Leu426= (NM_001348214.2); and 14 more.
Identifiers: ClinVar variation 381710 (VCV000381710.2), dbSNP rs761419131, ClinGen allele CA8970152.

ClinVar aggregate classification (germline): Likely benign. Review status: criteria provided, multiple submitters, no conflicts (2 of 4 stars). 2 submissions from 2 submitters: Likely benign (2). Last evaluated 2021-10-14.

Allele frequency attached by ClinVar (database versions not stated): TOPMed below 0.00001; gnomAD exomes 0.00001 and 0.00002; ExAC 0.00002.
gnomAD v4.1: 12 of 1,614,172 alleles (0.00074%); highest among the groups gnomAD compares: African/African-American, 0.0013%; no homozygotes.

Submissions (2):

Blueprint Genetics
Classification: Likely benign. Last evaluated: 2021-10-14. Review status: criteria provided, single submitter. Criteria: ACMG Guidelines, 2015. Collection method: clinical testing. Allele origin: germline.

GeneDx
Classification: Likely benign. Last evaluated: 2015-11-12. Review status: criteria provided, single submitter. Criteria: GeneDx Variant Classification (06012015). Collection method: clinical testing. Allele origin: germline. Affected: yes.
Comment: This variant is considered likely benign or benign based on one or more of the following criteria: it is a conservative change, it occurs at a poorly conserved position in the protein, it is predicted to be benign by multiple in silico algorithms, and/or has population frequency not consistent with disease.